The following is an entry in ClinVar:

ClinVar aggregate classification (germline): Pathogenic. Review status: criteria provided, multiple submitters, no conflicts (2 of 4 stars). 4 submissions from 4 submitters: Pathogenic (3). 1 of the submissions does not count toward it. Last evaluated 2025-04-08.

Conditions:
PKD1-Biallelic Autosomal Recessive Polycystic Kidney Disease.
PKD1-related disorder. Also called: PKD1-related condition.
Autosomal dominant polycystic kidney disease. Identifiers: Orphanet 730, MedGen C0085413, MONDO:0004691.

gnomAD v4.1: 1 of 1,529,868 alleles (0.000065%); highest among the groups gnomAD compares: Non-Finnish European, 0.000088%; no homozygotes.

Submissions (4):

Women's Health and Genetics/Laboratory Corporation of America, LabCorp
Classification: Pathogenic for PKD1-Biallelic Autosomal Recessive Polycystic Kidney Disease. Last evaluated: 2025-04-08. Review status: criteria provided, single submitter. Criteria: LabCorp Variant Classification Summary - May 2015. Collection method: clinical testing. Allele origin: germline.
Comment: Variant summary: PKD1 c.1583A>G (p.Tyr528Cys) results in a non-conservative amino acid change located in the Polycystin cation channel domain (IPR006228) of the encoded protein sequence. Four of five in-silico tools predict a damaging effect of the variant on protein function. The frequency data for this variant in gnomAD is considered unreliable, as metrics indicate poor data quality at this position. c.1583A>G has been reported in the literature in multiple individuals affected with Autosomal Dominant Polycystic Kidney Disease (Garcia-Gonzalez_2007, Pei_2012). These data indicate that the variant is very likely to be associated with disease. At least one publication reports experimental evidence evaluating an impact on protein function (Pei_2012). The most pronounced variant effect results in formation of cysts and increased apoptosis in cells expressing this mutant protein. The following publications have been ascertained in the context of this evaluation (PMID: 17574468, 22031115). ClinVar contains an entry for this variant (Variation ID: 433946). Based on the evidence outlined above, the variant was classified as pathogenic.

PreventionGenetics, part of Exact Sciences
Classification: Pathogenic for PKD1-related condition. Last evaluated: 2024-12-03. Review status: criteria provided, single submitter. Criteria: ACMG Guidelines, 2015. Collection method: clinical testing. Allele origin: germline.
Comment: The PKD1 c.1583A>G variant is predicted to result in the amino acid substitution p.Tyr528Cys. This variant has been reported in multiple unrelated individuals with polycystic kidney disease (Garcia-Gonzalez et al. 2007. PubMed ID: 17574468; Irazabal et al. 2011. PubMed ID: 21551026; Pei et al. 2012. PubMed ID: 22031115). At PreventionGenetics, we also found this variant in the heterozygous state in several patients tested for polycystic kidney disease. In vitro functional characterization suggests that this variant is deleterious (Pei et al. 2012. PubMed ID: 22031115). This variant has not been reported in a large population database (gnomAD), indicating this variant is rare. This variant is interpreted as pathogenic.

Blueprint Genetics
Classification: Pathogenic for PKD1-related disorders. Last evaluated: 2024-04-25. Review status: criteria provided, single submitter. Criteria: ACMG Guidelines, 2015. Collection method: clinical testing. Allele origin: germline. Affected: yes. Observed: 1 variant allele.

Department of Pathology and Laboratory Medicine, Sinai Health System
Classification: Pathogenic for Autosomal dominant polycystic kidney disease. Review status: no assertion criteria provided. Collection method: clinical testing. Allele origin: unknown. Affected: yes. Observed: 1 variant allele. Study: The Canadian Open Genetics Repository (COGR). Not counted in ClinVar's aggregate classification.
Comment: The PKD1 p.Tyr528Cys variant was identified in 2 of 1066 proband chromosomes (frequency: 0.002) from individuals or families with ADPKD (Garcia-Gonzalez 2007, Irazabal 2011). The variant was also identified in ADPKD Mutation Database (as highly likely pathogenic). The variant was not identified in dbSNP, Clinvitae, GeneInsight COGR, MutDB, PKD1-LOVD, PKD1-LOVD 3.0, NHLBI GO Exome Sequencing Project and Exome Aggregation Consortium database (March 14, 2016). The p.Tyr528 residue is conserved across mammals and other organisms, and computational analyses (PolyPhen-2, SIFT, AlignGVGD, BLOSUM, MutationTaster) suggest that the variant may impact the protein; however, this information is not predictive enough to assume pathogenicity. The variant occurs outside of the splicing consensus sequence and 1 of 5 in silico or computational prediction software programs (SpliceSiteFinder, MaxEntScan, NNSPLICE, GeneSplicer, HumanSpliceFinder) predict a greater than 10% difference in splicing; this is not very predictive of pathogenicity. In addition, an in vivo study by Pei (2012), demonstrated that the p.Tyr528Cys variant affects an amino acid residue in the C-type lectin domain of polycystin-1 (PC1) that is highly-conserved across multiple species and moderately conserved across non-PC1 proteins with the same domain. The data from the study strongly suggest that this variant is a pathogenic PKD1 variant and that it functions as a hypomorphic allele in-vivo. The cell lines expressing the p.Tyr528Cys variant formed cysts in culture and demonstrated increased rates of growth and apoptosis. However, subjects affected with p.Tyr528Cys (PKD1) and a truncating PKD2 variant (p.Leu736X) had more severe renal disease than subjects affected with a pathogenic PKD1 or PKD2 variant alone. The individuals with p.Tyr528Cys clearly had better preserved renal function and have uniformly mild renal disease. In summary, based on the above information, this variant meets our laboratoryâ€šÃ„Ã´s criteria to be classified as pathogenic.

Literature cited by the submitters: PubMed 17574468 (cited by Women's Health and Genetics/Laboratory Corporation of America, LabCorp); PubMed 22031115 (cited by Women's Health and Genetics/Laboratory Corporation of America, LabCorp).

NM_001009944.3(PKD1):c.1583A>G (p.Tyr528Cys)

Gene: PKD1 (polycystin 1, transient receptor potential channel interacting; minus strand). Cytogenetic location: 16p13.3.
Variant type: single nucleotide variant.
Coding change: c.1583A>G on transcript NM_001009944.3 (MANE Select); coding-DNA position 1583, A replaced by G.
Protein change: p.Tyr528Cys; replaces tyrosine 528 with cysteine.
Molecular consequence: missense variant.
Genome position (GRCh38, 1-based): chr16:2,116,856, T>C on the plus strand (A>G on the coding strand, the complement: PKD1 is on the minus strand). VCF-style: chr16-2116856-T-C. GRCh37 (hg19) VCF-style: chr16-2166857-T-C.
Other names: c.1583A>G, p.Tyr528Cys (NM_000296.4); short protein forms Y528C.
Identifiers: ClinVar variation 433946 (VCV000433946.7), dbSNP rs750798165, ClinGen allele CA394391699.